The following is an entry in ClinVar:

NM_001040118.3(ARAP1):c.1265G>A (p.Arg422His)

Gene: ARAP1 (ArfGAP with RhoGAP domain, ankyrin repeat and PH domain 1; minus strand). Cytogenetic location: 11q13.4.
Variant type: single nucleotide variant.
Coding change: c.1265G>A on transcript NM_001040118.3 (MANE Select); coding-DNA position 1265, G replaced by A.
Protein change: p.Arg422His; replaces arginine 422 with histidine.
Molecular consequence: missense variant. On other transcripts: non-coding transcript variant (1).
Genome position (GRCh38, 1-based): chr11:72,710,536, C>T on the plus strand (G>A on the coding strand, the complement: ARAP1 is on the minus strand). VCF-style: chr11-72710536-C-T. GRCh37 (hg19) VCF-style: chr11-72421581-C-T.
Other names: c.530G>A, p.Arg177His (NM_001135190.2, NM_001369489.1, NM_015242.5 and 1 more transcripts); short protein forms R177H, R422H.
Identifiers: ClinVar variation 2642129 (VCV002642129.24), dbSNP rs148377320, ClinGen allele CA6173965.

ClinVar aggregate classification (germline): Likely benign (1 of 4 stars; one submission).

Allele frequency attached by ClinVar (database versions not stated): 1000 Genomes Project 30x 0.00156; 1000 Genomes Project 0.00160; TOPMed 0.00374; ESP Exome Variant Server 0.00439; gnomAD 0.00545; gnomAD exomes 0.00602; ExAC 0.00608.
gnomAD v4.1: 9,538 of 1,612,802 alleles (0.59%); highest among the groups gnomAD compares: Non-Finnish European, 0.65%; 53 homozygotes.

Submission:

CeGaT Center for Human Genetics Tuebingen
Classification: Likely benign. Last evaluated: 2023-04-01. Review status: criteria provided, single submitter. Criteria: CeGaT Center For Human Genetics Tuebingen Variant Classification Criteria Version 2. Collection method: clinical testing. Allele origin: germline. Affected: yes. Observed: 1 variant allele.
Comment: ARAP1: BP4, BS2